The following is an entry in ClinVar:

ClinVar aggregate classification (germline): Benign/Likely benign. Review status: criteria provided, single submitter (1 of 4 stars). 2 submissions from 1 submitter: Benign (1); Likely benign (1). Last evaluated 2018-01-12.

Conditions:
Brugada syndrome 5 (BRGDA5). Identifiers: Orphanet 130, Orphanet 871, MedGen C2748541, MONDO:0013015, OMIM 612838.
Generalized epilepsy with febrile seizures plus, type 1 (GEFSP1). Also called: GEFS+, TYPE 1. Identifiers: Orphanet 36387, MedGen C1858672, MONDO:0011416, OMIM 604233.

Allele frequency attached by ClinVar (database versions not stated): 1000 Genomes Project 30x 0.00234; 1000 Genomes Project 0.00240; TOPMed 0.00471; gnomAD 0.00552 and 0.00564; gnomAD exomes 0.00622.
gnomAD v4.1: 3,837 of 639,616 alleles (0.6%); highest among the groups gnomAD compares: Non-Finnish European, 0.75%; 19 homozygotes.

Submissions (2):

Illumina Laboratory Services, Illumina
Classification: Likely benign for Generalized epilepsy with febrile seizures plus, type 1. Last evaluated: 2018-01-12. Review status: criteria provided, single submitter. Criteria: ICSL Variant Classification Criteria 13 December 2019. Collection method: clinical testing. Allele origin: germline.
Comment: This variant was observed in the ICSL laboratory as part of a predisposition screen in an ostensibly healthy population. It had not been previously curated by ICSL or reported in the Human Gene Mutation Database (HGMD: prior to June 1st, 2018), and was therefore a candidate for classification through an automated scoring system. Utilizing variant allele frequency, disease prevalence and penetrance estimates, and inheritance mode, an automated score was calculated to assess if this variant is too frequent to cause the disease. Based on the score and internal cut-off values, a variant classified as likely benign is not then subjected to further curation. The score for this variant resulted in a classification of likely benign for this disease.

Illumina Laboratory Services, Illumina
Classification: Benign for Brugada syndrome 5. Last evaluated: 2018-01-12. Review status: criteria provided, single submitter. Criteria: ICSL Variant Classification Criteria 13 December 2019. Collection method: clinical testing. Allele origin: germline.
Comment: This variant was observed in the ICSL laboratory as part of a predisposition screen in an ostensibly healthy population. It had not been previously curated by ICSL or reported in the Human Gene Mutation Database (HGMD: prior to June 1st, 2018), and was therefore a candidate for classification through an automated scoring system. Utilizing variant allele frequency, disease prevalence and penetrance estimates, and inheritance mode, an automated score was calculated to assess if this variant is too frequent to cause the disease. Based on the score and internal cut-off values, a variant classified as benign is not then subjected to further curation. The score for this variant resulted in a classification of benign for this disease.

NM_001037.5(SCN1B):c.*102A>T

Gene: SCN1B (sodium voltage-gated channel beta subunit 1; plus strand). Cytogenetic location: 19q13.11.
Variant type: single nucleotide variant.
Coding change: c.*102A>T on transcript NM_001037.5 (MANE Select); 102 bases downstream of the stop codon, A replaced by T.
Molecular consequence: 3 prime UTR variant.
Genome position (GRCh38, 1-based): chr19:35,039,893, A>T. VCF-style: chr19-35039893-A-T. GRCh37 (hg19) VCF-style: chr19-35530797-A-T.
Other names: c.*102A>T (NM_001321605.2).
Identifiers: ClinVar variation 891820 (VCV000891820.4), dbSNP rs72550274, ClinGen allele CA307708138.